The following is an entry in ClinVar:

ClinVar aggregate classification (germline): Uncertain significance (1 of 4 stars; one submission).

gnomAD v4.1: 11 of 1,612,782 alleles (0.00068%); highest among the groups gnomAD compares: African/African-American, 0.008%; no homozygotes.

Submission:

Labcorp Genetics (formerly Invitae), Labcorp
Classification: Uncertain significance. Last evaluated: 2025-05-13. Review status: criteria provided, single submitter. Criteria: Invitae Variant Classification Sherloc (09022015). Collection method: clinical testing. Allele origin: germline.
Comment: This sequence change replaces arginine, which is basic and polar, with cysteine, which is neutral and slightly polar, at codon 882 of the ACTN4 protein (p.Arg882Cys). This variant is present in population databases (rs373484898, gnomAD 0.007%). This variant has not been reported in the literature in individuals affected with ACTN4-related conditions. An algorithm developed to predict the effect of missense changes on protein structure and function (PolyPhen-2) suggests that this variant is likely to be disruptive. In summary, the available evidence is currently insufficient to determine the role of this variant in disease. Therefore, it has been classified as a Variant of Uncertain Significance.

NM_004924.6(ACTN4):c.2644C>T (p.Arg882Cys)

Gene: ACTN4 (actinin alpha 4; plus strand). Cytogenetic location: 19q13.2.
Variant type: single nucleotide variant.
Coding change: c.2644C>T on transcript NM_004924.6 (MANE Select); coding-DNA position 2644, C replaced by T.
Protein change: p.Arg882Cys; replaces arginine 882 with cysteine.
Molecular consequence: missense variant.
Genome position (GRCh38, 1-based): chr19:38,729,340, C>T. VCF-style: chr19-38729340-C-T. GRCh37 (hg19) VCF-style: chr19-39219980-C-T.
Other names: c.2629C>T, p.Arg877Cys (NM_001322033.2, NM_001440298.1); c.2644C>T, p.Arg882Cys (NM_001411143.1); c.2710C>T, p.Arg904Cys (NM_001440296.1, NM_001440300.1); c.2392C>T, p.Arg798Cys (NM_001440299.1); short protein forms R877C, R904C, R798C, R882C.
Identifiers: ClinVar variation 4693936 (VCV004693936.1).